The following is an entry in ClinVar:

NM_001282597.3(CTNNA2):c.2672A>G (p.Gln891Arg)

Gene: CTNNA2 (catenin alpha 2; plus strand). Cytogenetic location: 2p12.
Variant type: single nucleotide variant.
Coding change: c.2672A>G on transcript NM_001282597.3 (MANE Select); coding-DNA position 2672, A replaced by G.
Protein change: p.Gln891Arg; replaces glutamine 891 with arginine.
Molecular consequence: missense variant.
Genome position (GRCh38, 1-based): chr2:80,647,682, A>G. VCF-style: chr2-80647682-A-G. GRCh37 (hg19) VCF-style: chr2-80874807-A-G.
Other names: c.2393A>G, p.Gln798Arg (NM_001164883.2); c.2630A>G, p.Gln877Arg (NM_001282598.2); c.1565A>G, p.Gln522Arg (NM_001282599.2); c.1424A>G, p.Gln475Arg (NM_001282600.2); c.1568A>G, p.Gln523Arg (NM_001320810.2); c.2528A>G, p.Gln843Arg (NM_001399737.1, NM_004389.4); short protein forms Q475R, Q522R, Q523R, Q798R, Q843R, Q877R, Q891R.
Identifiers: ClinVar variation 4886874 (VCV004886874.1).
Genomic context (GRCh38, chr2:80,647,682, plus strand): 5'-ACCTGATGAATGCTGTTGTCCTCACGGTGAAAGCATCCTATGTGGCCTCAACCAAATACC[A>G]GAAGGTCTATGGGACAGCAGCTGTCAACTCACCTGTTGTGTCTTGGAAGATGAAGGCTCC-3'
Protein context (NP_001269526.1, residues 881-901): KASYVASTKY[Gln891Arg]KVYGTAAVNS

ClinVar aggregate classification (germline): Uncertain significance (1 of 4 stars; one submission).

Conditions:
Cortical dysplasia, complex, with other brain malformations 9. Identifiers: MedGen C4748540, MONDO:0032578, OMIM 618174.

Submission:

Genetics Laboratory, Department of Biology, Semnan University
Classification: Uncertain significance for Cortical dysplasia, complex, with other brain malformations 9. Last evaluated: 2019-06-11. Review status: criteria provided, single submitter. Criteria: ACMG Guidelines, 2015. Collection method: research. Allele origin: germline. Inheritance: Autosomal recessive inheritance. Affected: yes. Observed: 1 variant allele, 1 homozygote.
Comment: The identified variant leads to the substitution of Glutamine 522 with Arginine (Q522R) in the CTNNA2 protein. Hence, this substitution could alter the amino acid sequence and may leads to a decreased function of mutated protein.

Literature cited by the submitters: DOI 10.1038/s41588-018-0166-0.